The following is an entry in ClinVar:

ClinVar aggregate classification (germline): Uncertain significance (1 of 4 stars; one submission).

Conditions:
Neuronal ceroid lipofuscinosis 7 (CLN7). Also called: MFSD8-Related Neuronal Ceroid-Lipofuscinosis. Identifiers: Orphanet 168491, Orphanet 228366, MedGen C1838571, MONDO:0012588, OMIM 610951.

Submission:

Labcorp Genetics (formerly Invitae), Labcorp
Classification: Uncertain significance for Neuronal ceroid lipofuscinosis 7. Last evaluated: 2025-09-11. Review status: criteria provided, single submitter. Criteria: Invitae Variant Classification Sherloc (09022015). Collection method: clinical testing. Allele origin: germline.
Comment: This sequence change replaces leucine, which is neutral and non-polar, with serine, which is neutral and polar, at codon 307 of the MFSD8 protein (p.Leu307Ser). This variant is not present in population databases (gnomAD no frequency). This variant has not been reported in the literature in individuals affected with MFSD8-related conditions. Invitae Evidence Modeling of protein sequence and biophysical properties (such as structural, functional, and spatial information, amino acid conservation, physicochemical variation, residue mobility, and thermodynamic stability) has been performed for this missense variant. However, the output from this modeling did not meet the statistical confidence thresholds required to predict the impact of this variant on MFSD8 protein function. In summary, the available evidence is currently insufficient to determine the role of this variant in disease. Therefore, it has been classified as a Variant of Uncertain Significance.

NM_001371596.2(MFSD8):c.920T>C (p.Leu307Ser)

Gene: MFSD8 (major facilitator superfamily domain containing 8; minus strand). Cytogenetic location: 4q28.2.
Variant type: single nucleotide variant.
Coding change: c.920T>C on transcript NM_001371596.2 (MANE Select); coding-DNA position 920, T replaced by C.
Protein change: p.Leu307Ser; replaces leucine 307 with serine.
Molecular consequence: missense variant.
Genome position (GRCh38, 1-based): chr4:127,930,761, A>G on the plus strand (T>C on the coding strand, the complement: MFSD8 is on the minus strand). VCF-style: chr4-127930761-A-G. GRCh37 (hg19) VCF-style: chr4-128851916-A-G.
Other names: c.719T>C, p.Leu240Ser (NM_001363520.3); c.605T>C, p.Leu202Ser (NM_001363521.3); c.785T>C, p.Leu262Ser (NM_001371590.2); c.920T>C, p.Leu307Ser (NM_001371591.2, NM_001437269.1, NM_152778.4); c.926T>C, p.Leu309Ser (NM_001371592.2); c.806T>C, p.Leu269Ser (NM_001371593.2, NM_001410766.1); c.773T>C, p.Leu258Ser (NM_001371594.2); c.638T>C, p.Leu213Ser (NM_001371595.1); and 1 more; short protein forms L240S, L258S, L269S, L262S, L307S, L157S, L202S, L213S.
Identifiers: ClinVar variation 4752084 (VCV004752084.1).